The following is an entry in ClinVar:

NM_020738.4(KIDINS220):c.4013dup (p.Asp1339fs)

Gene: KIDINS220 (kinase D interacting substrate 220; minus strand). Cytogenetic location: 2p25.1.
Variant type: Duplication.
Coding change: c.4013dup on transcript NM_020738.4 (MANE Select); coding-DNA position 4013, one base duplicated (T; older notation c.4013dupT).
Protein change: p.Asp1339fs; shifts the reading frame from aspartic acid 1339.
Molecular consequence: frameshift variant. On other transcripts: non-coding transcript variant (2).
Genome position (GRCh38, 1-based): chr2:8,733,484, A duplicated on the plus strand (T on the coding strand, the reverse complement: KIDINS220 is on the minus strand). VCF-style (leftmost placement, unchanged base first): chr2-8733483-C-CA. GRCh37 (hg19) VCF-style: chr2-8873613-C-CA.
Other names: c.4016dup, p.Asp1340fs (NM_001348729.2); c.3959dup, p.Asp1321fs (NM_001348731.2); c.3956dup, p.Asp1320fs (NM_001348732.2, NM_001348738.2); c.3845dup, p.Asp1283fs (NM_001348734.2, NM_001348739.2, NM_001348740.2); c.3842dup, p.Asp1282fs (NM_001348735.2, NM_001348741.2, NM_001348742.2 and 1 more transcripts); c.3716dup, p.Asp1240fs (NM_001348736.2); short protein forms D1240fs, D1282fs, D1283fs, D1320fs, D1321fs, D1339fs, D1340fs.
Identifiers: ClinVar variation 4854955 (VCV004854955.1).
Genomic context (GRCh38, chr2:8,733,483, plus strand): 5'-AAAATGCCATTCAATAAATACCTGCCAACTTAGATTACTGTGACGAGGGGCACCTTCATC[C>CA]AGGCCAAGCGTGTTCAGCTCTTCGAAGCTGAAGTTGAGTGTGTAGGGCGTCTGGCTGGAG-3'

ClinVar aggregate classification (germline): Likely pathogenic (1 of 4 stars; one submission).

Conditions:
Spastic paraplegia, intellectual disability, nystagmus, and obesity. Also called: Spastic paraplegia, intellectual disability, nystagmus, and obesity;. Identifiers: Orphanet 521390, MedGen C4284592, MONDO:0015007, OMIM 617296.

Submission:

3billion
Classification: Likely pathogenic for Spastic paraplegia, intellectual disability, nystagmus, and obesity. Last evaluated: 2025-11-18. Review status: criteria provided, single submitter. Criteria: ACMG Guidelines, 2015. Collection method: clinical testing. Allele origin: germline. Affected: yes.
Comment: The variant is not observed in the gnomAD v4.1.0 dataset. Predicted Consequence/Location: Frameshift: predicted to result in a loss or disruption of normal protein function through protein truncation. The predicted truncated protein may be shortened by more than 10%. Therefore, this variant is classified as Likely pathogenic according to the recommendation of ACMG/AMP guideline.